The following is an entry in ClinVar:

ClinVar aggregate classification (germline): Uncertain significance. Review status: criteria provided, multiple submitters, no conflicts (2 of 4 stars). 3 submissions from 3 submitters: Uncertain significance (3). Last evaluated 2025-02-12.

Conditions:
MEGF10-related myopathy (CMYO10A). Also called: Congenital myopathy 10A, severe variant. Identifiers: Orphanet 439212, MedGen C3280679, MONDO:0013731, OMIM 614399.
Inborn genetic diseases. Identifiers: MedGen C0950123, MeSH D030342.

Allele frequency attached by ClinVar (database versions not stated): gnomAD 0.00002 and 0.00003; gnomAD exomes 0.00004; TOPMed 0.00005; ExAC 0.00007.
gnomAD v4.1: 18 of 1,613,998 alleles (0.0011%); highest among the groups gnomAD compares: East Asian, 0.038%; no homozygotes.

Submissions (3):

GeneDx
Classification: Uncertain significance. Last evaluated: 2025-02-12. Review status: criteria provided, single submitter. Criteria: GeneDx Variant Classification Process June 2021. Collection method: clinical testing. Allele origin: germline. Affected: yes.
Comment: In silico analysis indicates that this missense variant does not alter protein structure/function; Has not been previously published as pathogenic or benign to our knowledge

Ambry Genetics
Classification: Uncertain significance for Inborn genetic diseases. Last evaluated: 2024-05-24. Review status: criteria provided, single submitter. Criteria: Ambry Variant Classification Scheme 2023. Collection method: clinical testing. Allele origin: germline.

Labcorp Genetics (formerly Invitae), Labcorp
Classification: Uncertain significance for MEGF10-related myopathy. Last evaluated: 2024-05-20. Review status: criteria provided, single submitter. Criteria: Invitae Variant Classification Sherloc (09022015). Collection method: clinical testing. Allele origin: germline.
Comment: This sequence change replaces leucine, which is neutral and non-polar, with phenylalanine, which is neutral and non-polar, at codon 740 of the MEGF10 protein (p.Leu740Phe). This variant is present in population databases (rs772955622, gnomAD 0.07%). This variant has not been reported in the literature in individuals affected with MEGF10-related conditions. ClinVar contains an entry for this variant (Variation ID: 841785). Advanced modeling of protein sequence and biophysical properties (such as structural, functional, and spatial information, amino acid conservation, physicochemical variation, residue mobility, and thermodynamic stability) performed at Invitae indicates that this missense variant is not expected to disrupt MEGF10 protein function with a negative predictive value of 80%. In summary, the available evidence is currently insufficient to determine the role of this variant in disease. Therefore, it has been classified as a Variant of Uncertain Significance.

NM_001256545.2(MEGF10):c.2218C>T (p.Leu740Phe)

Gene: MEGF10 (multiple EGF like domains 10; plus strand). Cytogenetic location: 5q23.2.
Variant type: single nucleotide variant.
Coding change: c.2218C>T on transcript NM_001256545.2 (MANE Select); coding-DNA position 2218, C replaced by T.
Protein change: p.Leu740Phe; replaces leucine 740 with phenylalanine.
Molecular consequence: missense variant.
Genome position (GRCh38, 1-based): chr5:127,438,552, C>T. VCF-style: chr5-127438552-C-T. GRCh37 (hg19) VCF-style: chr5-126774244-C-T.
Other names: c.2218C>T, p.Leu740Phe (NM_032446.3); short protein forms L740F.
Identifiers: ClinVar variation 841785 (VCV000841785.10), dbSNP rs772955622, ClinGen allele CA3391871.